The following is an entry in ClinVar:

ClinVar aggregate classification (germline): Uncertain significance (1 of 4 stars; one submission).

Conditions:
Glycogen storage disease, type II (IOPD). Also called: Pompe Disease; POMPE DISEASE, INFANTILE-ONSET; GLYCOGEN STORAGE DISEASE II, INFANTILE-ONSET; ACID ALPHA-GLUCOSIDASE DEFICIENCY, INFANTILE-ONSET; GAA DEFICIENCY, INFANTILE-ONSET; ACID MALTASE DEFICIENCY, INFANTILE-ONSET. Identifiers: Orphanet 365, MedGen C0017921, MONDO:0009290, OMIM 232300.

Submission:

Labcorp Genetics (formerly Invitae), Labcorp
Classification: Uncertain significance for Glycogen storage disease, type II. Last evaluated: 2023-03-22. Review status: criteria provided, single submitter. Criteria: Invitae Variant Classification Sherloc (09022015). Collection method: clinical testing. Allele origin: germline.
Comment: This sequence change replaces glycine, which is neutral and non-polar, with alanine, which is neutral and non-polar, at codon 830 of the GAA protein (p.Gly830Ala). In summary, the available evidence is currently insufficient to determine the role of this variant in disease. Therefore, it has been classified as a Variant of Uncertain Significance. Advanced modeling of protein sequence and biophysical properties (such as structural, functional, and spatial information, amino acid conservation, physicochemical variation, residue mobility, and thermodynamic stability) performed at Invitae indicates that this missense variant is not expected to disrupt GAA protein function. This variant has not been reported in the literature in individuals affected with GAA-related conditions. This variant is not present in population databases (gnomAD no frequency).

NM_000152.5(GAA):c.2489G>C (p.Gly830Ala)

Gene: GAA (alpha glucosidase; plus strand). Cytogenetic location: 17q25.3.
Variant type: single nucleotide variant.
Coding change: c.2489G>C on transcript NM_000152.5 (MANE Select); coding-DNA position 2489, G replaced by C.
Protein change: p.Gly830Ala; replaces glycine 830 with alanine.
Molecular consequence: missense variant.
Genome position (GRCh38, 1-based): chr17:80,118,200, G>C. VCF-style: chr17-80118200-G-C. GRCh37 (hg19) VCF-style: chr17-78091999-G-C.
Other names: c.2489G>C, p.Gly830Ala (NM_001079803.3, NM_001079804.3, NM_001406741.1 and 1 more transcripts); short protein forms G830A.
Identifiers: ClinVar variation 2875157 (VCV002875157.3), dbSNP rs2510402049, ClinGen allele CA401325961.